The following is an entry in ClinVar:

ClinVar aggregate classification (germline): Uncertain significance. Review status: criteria provided, multiple submitters, no conflicts (2 of 4 stars). 3 submissions from 3 submitters: Uncertain significance (3). Last evaluated 2026-02-09.

Conditions:
CCDC50-related disorder. Also called: CCDC50-related condition.

Allele frequency attached by ClinVar (database versions not stated): ExAC 0.00001; gnomAD exomes 0.00001; TOPMed 0.00001.
gnomAD v4.1: 17 of 1,608,960 alleles (0.0011%); highest among the groups gnomAD compares: Admixed American, 0.012%; no homozygotes.

Submissions (3):

PreventionGenetics, part of Exact Sciences
Classification: Uncertain significance for CCDC50-related condition. Last evaluated: 2026-02-09. Review status: criteria provided, single submitter. Criteria: ACMG Guidelines, 2015. Collection method: clinical testing. Allele origin: germline.
Comment: The CCDC50 c.1426A>G variant is predicted to result in the amino acid substitution p.Lys476Glu. To our knowledge, this variant has not been reported in the literature. This variant is reported in 0.012% of alleles in individuals of Latino descent in gnomAD. At this time, the clinical significance of this variant is uncertain due to the absence of conclusive functional and genetic evidence.

Ambry Genetics
Classification: Uncertain significance. Last evaluated: 2025-09-01. Review status: criteria provided, single submitter. Criteria: Ambry Variant Classification Scheme 2023. Collection method: clinical testing. Allele origin: germline.

Labcorp Genetics (formerly Invitae), Labcorp
Classification: Uncertain significance. Last evaluated: 2024-08-23. Review status: criteria provided, single submitter. Criteria: Invitae Variant Classification Sherloc (09022015). Collection method: clinical testing. Allele origin: germline.
Comment: This sequence change replaces lysine, which is basic and polar, with glutamic acid, which is acidic and polar, at codon 476 of the CCDC50 protein (p.Lys476Glu). This variant is present in population databases (rs759906745, gnomAD 0.009%). This variant has not been reported in the literature in individuals affected with CCDC50-related conditions. ClinVar contains an entry for this variant (Variation ID: 2063872). An algorithm developed to predict the effect of missense changes on protein structure and function (PolyPhen-2) suggests that this variant is likely to be disruptive. In summary, the available evidence is currently insufficient to determine the role of this variant in disease. Therefore, it has been classified as a Variant of Uncertain Significance.

NM_178335.3(CCDC50):c.1426A>G (p.Lys476Glu)

Gene: CCDC50 (coiled-coil domain containing 50; plus strand). Cytogenetic location: 3q28.
Variant type: single nucleotide variant.
Coding change: c.1426A>G on transcript NM_178335.3 (MANE Select); coding-DNA position 1426, A replaced by G.
Protein change: p.Lys476Glu; replaces lysine 476 with glutamic acid.
Molecular consequence: missense variant.
Genome position (GRCh38, 1-based): chr3:191,389,599, A>G. VCF-style: chr3-191389599-A-G. GRCh37 (hg19) VCF-style: chr3-191107388-A-G.
Other names: c.1426A>G (NM_178335.2); c.898A>G, p.Lys300Glu (NM_174908.4); short protein forms K300E, K476E.
Identifiers: ClinVar variation 2063872 (VCV002063872.6), dbSNP rs759906745, ClinGen allele CA2755563.